The following is an entry in ClinVar:

ClinVar aggregate classification (germline): Uncertain significance (1 of 4 stars; one submission).

Conditions:
Duchenne muscular dystrophy (DMD). Also called: MUSCULAR DYSTROPHY, PSEUDOHYPERTROPHIC PROGRESSIVE, DUCHENNE TYPE; Duchenne Muscular Dystrophy (DMD). Identifiers: Orphanet 98896, MedGen C0013264, MONDO:0010679, OMIM 310200.

gnomAD v4.1: 1 of 1,210,954 alleles (0.000083%); highest among the groups gnomAD compares: Non-Finnish European, 0.00011%; no homozygotes.

Submission:

Labcorp Genetics (formerly Invitae), Labcorp
Classification: Uncertain significance for Duchenne muscular dystrophy. Last evaluated: 2026-01-31. Review status: criteria provided, single submitter. Criteria: Invitae Variant Classification Sherloc (09022015). Collection method: clinical testing. Allele origin: germline.
Comment: This sequence change replaces lysine, which is basic and polar, with glutamic acid, which is acidic and polar, at codon 1713 of the DMD protein (p.Lys1713Glu). This variant is not present in population databases (gnomAD no frequency). This variant has not been reported in the literature in individuals affected with DMD-related conditions. Invitae Evidence Modeling of protein sequence and biophysical properties (such as structural, functional, and spatial information, amino acid conservation, physicochemical variation, residue mobility, and thermodynamic stability) indicates that this missense variant is not expected to disrupt DMD protein function with a negative predictive value of 95%. In summary, the available evidence is currently insufficient to determine the role of this variant in disease. Therefore, it has been classified as a Variant of Uncertain Significance.

NM_004006.3(DMD):c.5137A>G (p.Lys1713Glu)

Gene: DMD (dystrophin; minus strand). Cytogenetic location: Xp21.1.
Variant type: single nucleotide variant.
Coding change: c.5137A>G on transcript NM_004006.3 (MANE Select); coding-DNA position 5137, A replaced by G.
Protein change: p.Lys1713Glu; replaces lysine 1713 with glutamic acid.
Molecular consequence: missense variant.
Genome position (GRCh38, 1-based): chrX:32,364,599, T>C on the plus strand (A>G on the coding strand, the complement: DMD is on the minus strand). VCF-style: chrX-32364599-T-C. GRCh37 (hg19) VCF-style: chrX-32382716-T-C.
Other names: c.5113A>G, p.Lys1705Glu (NM_000109.4); c.5125A>G, p.Lys1709Glu (NM_004009.3); c.4768A>G, p.Lys1590Glu (NM_004010.3); c.1114A>G, p.Lys372Glu (NM_004011.4); c.1105A>G, p.Lys369Glu (NM_004012.4); short protein forms K372E, K1713E, K1590E, K1705E, K1709E, K369E.
Identifiers: ClinVar variation 4707992 (VCV004707992.1).